The following is an entry in ClinVar:

ClinVar aggregate classification (germline): Uncertain significance. Review status: criteria provided, multiple submitters, no conflicts (2 of 4 stars). 2 submissions from 2 submitters: Uncertain significance (2). Last evaluated 2024-11-26.

Allele frequency attached by ClinVar (database versions not stated): gnomAD 0.00001; TOPMed 0.00002.

Submissions (2):

Ambry Genetics
Classification: Uncertain significance. Last evaluated: 2024-11-26. Review status: criteria provided, single submitter. Criteria: Ambry Variant Classification Scheme 2023. Collection method: clinical testing. Allele origin: germline.

Labcorp Genetics (formerly Invitae), Labcorp
Classification: Uncertain significance. Last evaluated: 2023-07-17. Review status: criteria provided, single submitter. Criteria: Invitae Variant Classification Sherloc (09022015). Collection method: clinical testing. Allele origin: germline.
Comment: This sequence change replaces threonine, which is neutral and polar, with serine, which is neutral and polar, at codon 95 of the CRYM protein (p.Thr95Ser). This variant is present in population databases (no rsID available, gnomAD 0.02%). This variant has not been reported in the literature in individuals affected with CRYM-related conditions. ClinVar contains an entry for this variant (Variation ID: 1438211). Advanced modeling of protein sequence and biophysical properties (such as structural, functional, and spatial information, amino acid conservation, physicochemical variation, residue mobility, and thermodynamic stability) performed at Invitae indicates that this missense variant is not expected to disrupt CRYM protein function. In summary, the available evidence is currently insufficient to determine the role of this variant in disease. Therefore, it has been classified as a Variant of Uncertain Significance.

NM_001376256.1(CRYM):c.284C>G (p.Thr95Ser)

Gene: CRYM (crystallin mu; minus strand). Cytogenetic location: 16p12.2.
Variant type: single nucleotide variant.
Coding change: c.284C>G on transcript NM_001376256.1 (MANE Select); coding-DNA position 284, C replaced by G.
Protein change: p.Thr95Ser; replaces threonine 95 with serine.
Molecular consequence: missense variant.
Genome position (GRCh38, 1-based): chr16:21,277,471, G>C on the plus strand (C>G on the coding strand, the complement: CRYM is on the minus strand). VCF-style: chr16-21277471-G-C. GRCh37 (hg19) VCF-style: chr16-21288792-G-C.
Other names: c.284C>G, p.Thr95Ser (NM_001888.5); c.284C>G (NM_001888.3); short protein forms T95S.
Identifiers: ClinVar variation 1438211 (VCV001438211.7), dbSNP rs757617357, ClinGen allele CA279353997.